The following is an entry in ClinVar:

NM_000520.6(HEXA):c.538T>C (p.Tyr180His)

Gene: HEXA (hexosaminidase subunit alpha; minus strand). Cytogenetic location: 15q23.
Variant type: single nucleotide variant.
Coding change: c.538T>C on transcript NM_000520.6 (MANE Select); coding-DNA position 538, T replaced by C.
Protein change: p.Tyr180His; replaces tyrosine 180 with histidine.
Molecular consequence: missense variant. On other transcripts: non-coding transcript variant (1).
Genome position (GRCh38, 1-based): chr15:72,353,100, A>G on the plus strand (T>C on the coding strand, the complement: HEXA is on the minus strand). VCF-style: chr15-72353100-A-G. GRCh37 (hg19) VCF-style: chr15-72645441-A-G.
Other names: c.571T>C, p.Tyr191His (NM_001318825.2); short protein forms Y180H, Y191H.
Identifiers: ClinVar variation 3939 (VCV000003939.6), dbSNP rs28941771, ClinGen allele CA116513.
Genomic context (GRCh38, chr15:72,353,100, plus strand): 5'-TGTGAAGAAGGCCTTAAGGCCTGGTTACCAGAGTGTCCAGGATGCTAGAGAGTGGCAGGT[A>G]ATGGCGAGATGTATCCAACAGCAAGCCCCGGTGAGGAAAGCGGGGAAAGTCCTCAATCTC-3'
Protein context (NP_000511.2, residues 170-190): RGLLLDTSRH[Tyr180His]LPLSSILDTL

ClinVar aggregate classification (germline): Likely pathogenic. Review status: criteria provided, single submitter (1 of 4 stars). 2 submissions from 2 submitters: Likely pathogenic (1). 1 of the submissions does not count toward it. Last evaluated 2022-02-01.

Conditions:
Tay-Sachs disease (TSD). Also called: GM2 gangliosidosis, type 1; Hexosaminidase alpha-subunit deficiency (variant B); Sphingolipidosis, Tay-Sachs; Hexosaminidase A Deficiency; HEXA Disorders; HEXA DEFICIENCY. Identifiers: Orphanet 845, MedGen C0039373, MONDO:0010100, OMIM 272800.
Gm2-gangliosidosis, late onset.

Submissions (2):

Labcorp Genetics (formerly Invitae), Labcorp
Classification: Likely pathogenic for Tay-Sachs disease. Last evaluated: 2022-02-01. Review status: criteria provided, single submitter. Criteria: Invitae Variant Classification Sherloc (09022015). Collection method: clinical testing. Allele origin: germline.
Comment: In summary, the currently available evidence indicates that the variant is pathogenic, but additional data are needed to prove that conclusively. Therefore, this variant has been classified as Likely Pathogenic. Experimental studies have shown that this missense change affects HEXA function (PMID: 8757036). Algorithms developed to predict the effect of missense changes on protein structure and function (SIFT, PolyPhen-2, Align-GVGD) all suggest that this variant is likely to be disruptive. ClinVar contains an entry for this variant (Variation ID: 3939). This missense change has been observed in individual(s) with late-onset GM2 gangliosidosis (PMID: 8757036). In at least one individual the data is consistent with being in trans (on the opposite chromosome) from a pathogenic variant. It has also been observed to segregate with disease in related individuals. The frequency data for this variant in the population databases is considered unreliable, as metrics indicate poor data quality at this position in the gnomAD database. This sequence change replaces tyrosine, which is neutral and polar, with histidine, which is basic and polar, at codon 180 of the HEXA protein (p.Tyr180His).

OMIM
Classification: Pathogenic for GM2-GANGLIOSIDOSIS, LATE ONSET. Last evaluated: 1996-08-01. Review status: no assertion criteria provided. Collection method: literature only. Allele origin: germline. Not counted in ClinVar's aggregate classification.

Literature cited by the submitters: PubMed 8757036 (cited by Labcorp Genetics (formerly Invitae), Labcorp and OMIM).